The following is an entry in ClinVar:

ClinVar aggregate classification (germline): Uncertain significance (1 of 4 stars; one submission).

Submission:

GeneDx
Classification: Uncertain significance. Last evaluated: 2024-08-01. Review status: criteria provided, single submitter. Criteria: GeneDx Variant Classification Process June 2021. Collection method: clinical testing. Allele origin: germline. Affected: yes.
Comment: Not observed at significant frequency in large population cohorts (gnomAD); In silico analysis supports that this missense variant has a deleterious effect on protein structure/function; Has not been previously published as pathogenic or benign to our knowledge

NM_006766.5(KAT6A):c.1892A>G (p.Tyr631Cys)

Gene: KAT6A (lysine acetyltransferase 6A; minus strand). Cytogenetic location: 8p11.21.
Variant type: single nucleotide variant.
Coding change: c.1892A>G on transcript NM_006766.5 (MANE Select); coding-DNA position 1892, A replaced by G.
Protein change: p.Tyr631Cys; replaces tyrosine 631 with cysteine.
Molecular consequence: missense variant.
Genome position (GRCh38, 1-based): chr8:41,947,761, T>C on the plus strand (A>G on the coding strand, the complement: KAT6A is on the minus strand). VCF-style: chr8-41947761-T-C. GRCh37 (hg19) VCF-style: chr8-41805279-T-C.
Other names: c.1892A>G, p.Tyr631Cys (NM_001305878.2); short protein forms Y631C.
Identifiers: ClinVar variation 3602148 (VCV003602148.1).